The following is an entry in ClinVar:

NM_002693.3(POLG):c.3334A>T (p.Met1112Leu)

Gene: POLG (DNA polymerase gamma, catalytic subunit; minus strand). Cytogenetic location: 15q26.1.
Variant type: single nucleotide variant.
Coding change: c.3334A>T on transcript NM_002693.3 (MANE Select); coding-DNA position 3334, A replaced by T.
Protein change: p.Met1112Leu; replaces methionine 1112 with leucine.
Molecular consequence: missense variant.
Genome position (GRCh38, 1-based): chr15:89,318,689, T>A on the plus strand (A>T on the coding strand, the complement: POLG is on the minus strand). VCF-style: chr15-89318689-T-A. GRCh37 (hg19) VCF-style: chr15-89861920-T-A.
Other names: p.Met1112Leu; c.3334A>T, p.Met1112Leu (NM_001126131.2); short protein forms M1112L.
Identifiers: ClinVar variation 317323 (VCV000317323.15), dbSNP rs767168260, ClinGen allele CA7724160.

ClinVar aggregate classification (germline): Uncertain significance. Review status: criteria provided, multiple submitters, no conflicts (2 of 4 stars). 3 submissions from 3 submitters: Uncertain significance (3). Last evaluated 2025-07-01.

Conditions:
POLG-related disorder. Also called: POLG-Related Spectrum Disorders; POLG-related condition; POLG-Related Disorders. Identifiers: MedGen C4763519.
Progressive sclerosing poliodystrophy (MTDPS4A). Also called: Mitochondrial DNA Depletion Syndrome 4A; Alpers-Huttenlocher Syndrome (AHS); ALPERS PROGRESSIVE INFANTILE POLIODYSTROPHY; NEURONAL DEGENERATION OF CHILDHOOD WITH LIVER DISEASE, PROGRESSIVE; Mitochondrial DNA depletion syndrome 4A (Alpers type); Alpers Syndrome. Identifiers: Orphanet 726, MedGen C0205710, MONDO:0008758, OMIM 203700.

Allele frequency attached by ClinVar (database versions not stated): gnomAD 0.00001; TOPMed 0.00002.

Submissions (3):

Labcorp Genetics (formerly Invitae), Labcorp
Classification: Uncertain significance for Progressive sclerosing poliodystrophy. Last evaluated: 2025-07-01. Review status: criteria provided, single submitter. Criteria: Invitae Variant Classification Sherloc (09022015). Collection method: clinical testing. Allele origin: germline.
Comment: This sequence change replaces methionine, which is neutral and non-polar, with leucine, which is neutral and non-polar, at codon 1112 of the POLG protein (p.Met1112Leu). This variant is present in population databases (rs767168260, gnomAD 0.04%). This variant has not been reported in the literature in individuals affected with POLG-related conditions. ClinVar contains an entry for this variant (Variation ID: 317323). Invitae Evidence Modeling of protein sequence and biophysical properties (such as structural, functional, and spatial information, amino acid conservation, physicochemical variation, residue mobility, and thermodynamic stability) indicates that this missense variant is not expected to disrupt POLG protein function with a negative predictive value of 95%. In summary, the available evidence is currently insufficient to determine the role of this variant in disease. Therefore, it has been classified as a Variant of Uncertain Significance.

Mayo Clinic Laboratories, Mayo Clinic
Classification: Uncertain significance. Last evaluated: 2021-08-17. Review status: criteria provided, single submitter. Criteria: ACMG Guidelines, 2015. Collection method: clinical testing. Allele origin: germline.

Illumina Laboratory Services, Illumina
Classification: Uncertain significance for POLG-Related Spectrum Disorders. Last evaluated: 2018-01-13. Review status: criteria provided, single submitter. Criteria: ICSL Variant Classification Criteria 13 December 2019. Collection method: clinical testing. Allele origin: germline.